The following is an entry in ClinVar:

NM_031844.3(HNRNPU):c.1424T>G (p.Phe475Cys)

Gene: HNRNPU (heterogeneous nuclear ribonucleoprotein U; minus strand). Cytogenetic location: 1q44.
Variant type: single nucleotide variant.
Coding change: c.1424T>G on transcript NM_031844.3 (MANE Select); coding-DNA position 1424, T replaced by G.
Protein change: p.Phe475Cys; replaces phenylalanine 475 with cysteine.
Molecular consequence: missense variant.
Genome position (GRCh38, 1-based): chr1:244,858,081, A>C on the plus strand (T>G on the coding strand, the complement: HNRNPU is on the minus strand). VCF-style: chr1-244858081-A-C. GRCh37 (hg19) VCF-style: chr1-245021383-A-C.
Other names: c.1367T>G, p.Phe456Cys (NM_004501.3); short protein forms F456C, F475C.
Identifiers: ClinVar variation 1015799 (VCV001015799.6), dbSNP rs569338651, ClinGen allele CA40500430.
Genomic context (GRCh38, chr1:244,858,081, plus strand): 5'-TTCTTCTCTTCAGGCCCCTTTGGTCCTCTAACTCGATCCTCTAAGGGGACGTTCTGGATG[A>C]AAGTATACTCTTCAGGTATTGGAAAATATGGCTTTTCCTTCTGACCAAAATTAAATTCAA-3'
Protein context (NP_114032.2, residues 465-485): PYFPIPEEYT[Phe475Cys]IQNVPLEDRV

ClinVar aggregate classification (germline): Uncertain significance (1 of 4 stars; one submission).

Conditions:
Developmental and epileptic encephalopathy, 54. Also called: Epileptic encephalopathy, early infantile, 54; HNRNPU-Related Neurodevelopmental Disorder. Identifiers: MedGen C4479319, MONDO:0033363, OMIM 617391.

Allele frequency attached by ClinVar (database versions not stated): gnomAD 0.00001; TOPMed 0.00003.
gnomAD v4.1: 2 of 1,614,110 alleles (0.00012%); highest among the groups gnomAD compares: East Asian, 0.0045%; no homozygotes.

Submission:

Labcorp Genetics (formerly Invitae), Labcorp
Classification: Uncertain significance for Developmental and epileptic encephalopathy, 54. Last evaluated: 2026-01-11. Review status: criteria provided, single submitter. Criteria: Invitae Variant Classification Sherloc (09022015). Collection method: clinical testing. Allele origin: germline.
Comment: This sequence change replaces phenylalanine, which is neutral and non-polar, with cysteine, which is neutral and slightly polar, at codon 475 of the HNRNPU protein (p.Phe475Cys). This variant is not present in population databases (gnomAD no frequency). This variant has not been reported in the literature in individuals affected with HNRNPU-related conditions. ClinVar contains an entry for this variant (Variation ID: 1015799). Invitae Evidence Modeling of protein sequence and biophysical properties (such as structural, functional, and spatial information, amino acid conservation, physicochemical variation, residue mobility, and thermodynamic stability) has been performed for this missense variant. However, the output from this modeling did not meet the statistical confidence thresholds required to predict the impact of this variant on HNRNPU protein function. In summary, the available evidence is currently insufficient to determine the role of this variant in disease. Therefore, it has been classified as a Variant of Uncertain Significance.